The following is an entry in ClinVar:

NM_031885.5(BBS2):c.380C>G (p.Thr127Arg)

Gene: BBS2 (Bardet-Biedl syndrome 2; minus strand). Cytogenetic location: 16q13.
Variant type: single nucleotide variant.
Coding change: c.380C>G on transcript NM_031885.5 (MANE Select); coding-DNA position 380, C replaced by G.
Protein change: p.Thr127Arg; replaces threonine 127 with arginine.
Molecular consequence: missense variant. On other transcripts: non-coding transcript variant (5).
Genome position (GRCh38, 1-based): chr16:56,511,250, G>C on the plus strand (C>G on the coding strand, the complement: BBS2 is on the minus strand). VCF-style: chr16-56511250-G-C. GRCh37 (hg19) VCF-style: chr16-56545162-G-C.
Other names: c.380C>G, p.Thr127Arg (NM_001377456.1); short protein forms T127R.
Identifiers: ClinVar variation 1312070 (VCV001312070.12), dbSNP rs1191790453, ClinGen allele CA395984489.

ClinVar aggregate classification (germline): Uncertain significance. Review status: criteria provided, multiple submitters, no conflicts (2 of 4 stars). 5 submissions from 5 submitters: Uncertain significance (5). Last evaluated 2026-02-23.

Conditions:
Retinitis pigmentosa 74 (RP74). Identifiers: Orphanet 791, MedGen C4225281, MONDO:0014692, OMIM 616562.
Bardet-Biedl syndrome 2 (BBS2). Identifiers: Orphanet 110, MedGen C2936863, MONDO:0014432, OMIM 615981.
Inborn genetic diseases. Identifiers: MedGen C0950123, MeSH D030342.
Bardet-Biedl syndrome (BBS). Identifiers: Orphanet 110, MedGen C0752166, MONDO:0015229.
BBS2-related disorder. Also called: BBS2-related condition; BBS2-related disorders. Identifiers: MedGen CN239228.

Allele frequency attached by ClinVar (database versions not stated): gnomAD exomes 0.00001; gnomAD 0.00002 and 0.00003; TOPMed 0.00003.
gnomAD v4.1: 19 of 1,613,916 alleles (0.0012%); highest among the groups gnomAD compares: African/African-American, 0.0027%; no homozygotes.

Submissions (5):

PreventionGenetics, part of Exact Sciences
Classification: Uncertain significance for BBS2-related condition. Last evaluated: 2026-02-23. Review status: criteria provided, single submitter. Criteria: ACMG Guidelines, 2015. Collection method: clinical testing. Allele origin: germline.
Comment: The BBS2 c.380C>G variant is predicted to result in the amino acid substitution p.Thr127Arg. To our knowledge, this variant has not been reported in the literature. This variant is reported in 0.0023% of alleles in individuals of European (Non-Finnish) descent in gnomAD. At this time, the clinical significance of this variant is uncertain due to the absence of conclusive functional and genetic evidence.

Ambry Genetics
Classification: Uncertain significance for Inborn genetic diseases. Last evaluated: 2025-10-07. Review status: criteria provided, single submitter. Criteria: Ambry Variant Classification Scheme 2023. Collection method: clinical testing. Allele origin: germline.

Labcorp Genetics (formerly Invitae), Labcorp
Classification: Uncertain significance for Bardet-Biedl syndrome. Last evaluated: 2022-02-05. Review status: criteria provided, single submitter. Criteria: Invitae Variant Classification Sherloc (09022015). Collection method: clinical testing. Allele origin: germline.
Comment: This sequence change replaces threonine, which is neutral and polar, with arginine, which is basic and polar, at codon 127 of the BBS2 protein (p.Thr127Arg). This variant is present in population databases (no rsID available, gnomAD 0.002%). This variant has not been reported in the literature in individuals affected with BBS2-related conditions. ClinVar contains an entry for this variant (Variation ID: 1312070). Algorithms developed to predict the effect of missense changes on protein structure and function (SIFT, PolyPhen-2, Align-GVGD) all suggest that this variant is likely to be tolerated. In summary, the available evidence is currently insufficient to determine the role of this variant in disease. Therefore, it has been classified as a Variant of Uncertain Significance.

Fulgent Genetics
Classification: Uncertain significance for Bardet-Biedl syndrome 2; Retinitis pigmentosa 74. Last evaluated: 2021-10-25. Review status: criteria provided, single submitter. Criteria: ACMG Guidelines, 2015. Collection method: clinical testing. Allele origin: unknown.

GeneDx
Classification: Uncertain significance. Last evaluated: 2020-01-30. Review status: criteria provided, single submitter. Criteria: GeneDx Variant Classification Process June 2021. Collection method: clinical testing. Allele origin: germline. Affected: yes.
Comment: Not observed at a significant frequency in large population cohorts (Lek et al., 2016); In silico analysis, which includes protein predictors and evolutionary conservation, supports that this variant does not alter protein structure/function; Has not been previously published as pathogenic or benign to our knowledge